The following is an entry in ClinVar:

NM_000548.5(TSC2):c.1354T>A (p.Phe452Ile)

Gene: TSC2 (TSC complex subunit 2; plus strand). Cytogenetic location: 16p13.3.
Variant type: single nucleotide variant.
Coding change: c.1354T>A on transcript NM_000548.5 (MANE Select); coding-DNA position 1354, T replaced by A.
Protein change: p.Phe452Ile; replaces phenylalanine 452 with isoleucine.
Molecular consequence: missense variant.
Genome position (GRCh38, 1-based): chr16:2,062,593, T>A. VCF-style: chr16-2062593-T-A. GRCh37 (hg19) VCF-style: chr16-2112594-T-A.
Other names: c.754T>A, p.Phe252Ile (NM_001406684.1, NM_001406685.1, NM_001406686.1 and 6 more transcripts); c.10T>A, p.Phe4Ile (NM_001406689.1, NM_001406690.1, NM_001406691.1 and 6 more transcripts); c.-167T>A (NM_001406698.1); c.1354T>A, p.Phe452Ile (NM_021055.3, NM_001370405.1, NM_001406663.1 and 6 more transcripts); c.1444T>A, p.Phe482Ile (NM_001406667.1, NM_001406668.1); c.1243T>A, p.Phe415Ile (NM_001406670.1, NM_001318827.2, NM_001406678.1); c.1342T>A, p.Phe448Ile (NM_001406671.1, NM_001406673.1); c.1207T>A, p.Phe403Ile (NM_001406675.1, NM_001318829.2, NM_001406676.1 and 1 more transcripts); and 3 more; short protein forms F252I, F298I, F403I, F415I, F433I, F448I, F452I, F463I.
Identifiers: ClinVar variation 1721053 (VCV001721053.3), dbSNP rs2548547453, ClinGen allele CA394323346.

ClinVar aggregate classification (germline): Uncertain significance (1 of 4 stars; one submission).

Conditions:
Tuberous sclerosis 2 (TSC2). Identifiers: Orphanet 805, MedGen C1860707, MONDO:0013199, OMIM 613254.

Submission:

Labcorp Genetics (formerly Invitae), Labcorp
Classification: Uncertain significance for Tuberous sclerosis 2. Last evaluated: 2022-10-05. Review status: criteria provided, single submitter. Criteria: Invitae Variant Classification Sherloc (09022015). Collection method: clinical testing. Allele origin: germline.
Comment: This sequence change replaces phenylalanine, which is neutral and non-polar, with isoleucine, which is neutral and non-polar, at codon 452 of the TSC2 protein (p.Phe452Ile). This variant is not present in population databases (gnomAD no frequency). This variant has not been reported in the literature in individuals affected with TSC2-related conditions. Advanced modeling of protein sequence and biophysical properties (such as structural, functional, and spatial information, amino acid conservation, physicochemical variation, residue mobility, and thermodynamic stability) performed at Invitae indicates that this missense variant is not expected to disrupt TSC2 protein function. In summary, the available evidence is currently insufficient to determine the role of this variant in disease. Therefore, it has been classified as a Variant of Uncertain Significance.